The following is an entry in ClinVar:

ClinVar aggregate classification (germline): Uncertain significance (1 of 4 stars; one submission).

Conditions:
Hereditary cancer-predisposing syndrome. Also called: Neoplastic Syndromes, Hereditary; Tumor predisposition; Hereditary neoplastic syndrome; Hereditary Cancer Syndrome. Identifiers: Orphanet 140162, MedGen C0027672, MeSH D009386, MONDO:0015356.

Submission:

Ambry Genetics
Classification: Uncertain significance for Hereditary cancer-predisposing syndrome. Last evaluated: 2026-07-02. Review status: criteria provided, single submitter. Criteria: Ambry Variant Classification Scheme 2023. Collection method: clinical testing. Allele origin: germline.
Comment: The p.H864P variant (also known as c.2591A>C), located in coding exon 15 of the APC gene, results from an A to C substitution at nucleotide position 2591. The histidine at codon 864 is replaced by proline, an amino acid with similar properties. This amino acid position is conserved. In addition, in silico predictors for this gene do not accurately predict pathogenicity. Based on the available evidence, the clinical significance of this variant remains unclear.

NM_000038.6(APC):c.2591A>C (p.His864Pro)

Gene: APC (APC regulator of Wnt signaling pathway; plus strand). Cytogenetic location: 5q22.2.
Variant type: single nucleotide variant.
Coding change: c.2591A>C on transcript NM_000038.6 (MANE Select); coding-DNA position 2591, A replaced by C.
Protein change: p.His864Pro; replaces histidine 864 with proline.
Molecular consequence: missense variant. On other transcripts: non-coding transcript variant (2).
Genome position (GRCh38, 1-based): chr5:112,838,185, A>C. VCF-style: chr5-112838185-A-C. GRCh37 (hg19) VCF-style: chr5-112173882-A-C.
Other names: c.2111A>C, p.His704Pro (NM_001354905.2); c.1742A>C, p.His581Pro (NM_001354906.2, NM_001407470.1); c.2675A>C, p.His892Pro (NM_001407446.1); c.2645A>C, p.His882Pro (NM_001407447.1, NM_001407448.1, NM_001407449.1 and 1 more transcripts); c.2591A>C, p.His864Pro (NM_001407450.1, NM_001127510.3, NM_001354895.2); c.2570A>C, p.His857Pro (NM_001407451.1); c.2561A>C, p.His854Pro (NM_001407452.1); c.2414A>C, p.His805Pro (NM_001407453.1, NM_001354901.2); and 11 more; short protein forms H581P, H823P, H846P, H892P, H480P, H704P, H735P, H839P.
Identifiers: ClinVar variation 5024865 (VCV005024865.1).
Genomic context (GRCh38, chr5:112,838,185, plus strand): 5'-CTCGTTCTGAAAAAGATAGAAGTTTGGAGAGAGAACGCGGAATTGGTCTAGGCAACTACC[A>C]TCCAGCAACAGAAAATCCAGGAACTTCTTCAAAGCGAGGTTTGCAGATCTCCACCACTGC-3'
Protein context (NP_000029.2, residues 854-874): RERGIGLGNY[His864Pro]PATENPGTSS